The following is an entry in ClinVar:

NM_003839.4(TNFRSF11A):c.337G>A (p.Ala113Thr)

Gene: TNFRSF11A (TNF receptor superfamily member 11a; plus strand). Cytogenetic location: 18q21.33.
Variant type: single nucleotide variant.
Coding change: c.337G>A on transcript NM_003839.4 (MANE Select); coding-DNA position 337, G replaced by A.
Protein change: p.Ala113Thr; replaces alanine 113 with threonine.
Molecular consequence: missense variant.
Genome position (GRCh38, 1-based): chr18:62,354,444, G>A. VCF-style: chr18-62354444-G-A. GRCh37 (hg19) VCF-style: chr18-60021677-G-A.
Other names: c.337G>A, p.Ala113Thr (NM_001270949.2, NM_001270950.2, NM_001270951.2 and 1 more transcripts); short protein forms A113T.
Identifiers: ClinVar variation 1961871 (VCV001961871.5), dbSNP rs1312726610, ClinGen allele CA402612179.

ClinVar aggregate classification (germline): Uncertain significance (1 of 4 stars; one submission).

gnomAD v4.1: 8 of 1,599,468 alleles (0.0005%); highest among the groups gnomAD compares: Non-Finnish European, 0.00068%; no homozygotes.

Submission:

Labcorp Genetics (formerly Invitae), Labcorp
Classification: Uncertain significance. Last evaluated: 2024-12-14. Review status: criteria provided, single submitter. Criteria: Invitae Variant Classification Sherloc (09022015). Collection method: clinical testing. Allele origin: germline.
Comment: This sequence change replaces alanine, which is neutral and non-polar, with threonine, which is neutral and polar, at codon 113 of the TNFRSF11A protein (p.Ala113Thr). This variant is not present in population databases (gnomAD no frequency). This variant has not been reported in the literature in individuals affected with TNFRSF11A-related conditions. ClinVar contains an entry for this variant (Variation ID: 1961871). Invitae Evidence Modeling of protein sequence and biophysical properties (such as structural, functional, and spatial information, amino acid conservation, physicochemical variation, residue mobility, and thermodynamic stability) indicates that this missense variant is not expected to disrupt TNFRSF11A protein function with a negative predictive value of 80%. In summary, the available evidence is currently insufficient to determine the role of this variant in disease. Therefore, it has been classified as a Variant of Uncertain Significance.